The following is an entry in ClinVar:

ClinVar aggregate classification (germline): Uncertain significance (1 of 4 stars; one submission).

Conditions:
Cataract 33. Also called: CATARACT 33, CORTICAL. Identifiers: Orphanet 91492, MedGen C3808107, MONDO:0012665, OMIM 611391.

Allele frequency attached by ClinVar (database versions not stated): gnomAD exomes below 0.00001; gnomAD 0.00001; ExAC 0.00002.
gnomAD v4.1: 7 of 1,613,812 alleles (0.00043%); highest among the groups gnomAD compares: East Asian, 0.0089%; no homozygotes.

Submission:

Labcorp Genetics (formerly Invitae), Labcorp
Classification: Uncertain significance for Cataract 33. Last evaluated: 2024-12-02. Review status: criteria provided, single submitter. Criteria: Invitae Variant Classification Sherloc (09022015). Collection method: clinical testing. Allele origin: germline.
Comment: This sequence change replaces alanine, which is neutral and non-polar, with threonine, which is neutral and polar, at codon 298 of the BFSP1 protein (p.Ala298Thr). This variant is present in population databases (rs746897399, gnomAD 0.02%). This variant has not been reported in the literature in individuals affected with BFSP1-related conditions. ClinVar contains an entry for this variant (Variation ID: 2960899). Invitae Evidence Modeling of protein sequence and biophysical properties (such as structural, functional, and spatial information, amino acid conservation, physicochemical variation, residue mobility, and thermodynamic stability) has been performed for this missense variant. However, the output from this modeling did not meet the statistical confidence thresholds required to predict the impact of this variant on BFSP1 protein function. In summary, the available evidence is currently insufficient to determine the role of this variant in disease. Therefore, it has been classified as a Variant of Uncertain Significance.

NM_001195.5(BFSP1):c.892G>A (p.Ala298Thr)

Gene: BFSP1 (beaded filament structural protein 1; minus strand). Cytogenetic location: 20p12.1.
Variant type: single nucleotide variant.
Coding change: c.892G>A on transcript NM_001195.5 (MANE Select); coding-DNA position 892, G replaced by A.
Protein change: p.Ala298Thr; replaces alanine 298 with threonine.
Molecular consequence: missense variant.
Genome position (GRCh38, 1-based): chr20:17,498,884, C>T on the plus strand (G>A on the coding strand, the complement: BFSP1 is on the minus strand). VCF-style: chr20-17498884-C-T. GRCh37 (hg19) VCF-style: chr20-17479529-C-T.
Other names: c.517G>A, p.Ala173Thr (NM_001161705.2); c.475G>A, p.Ala159Thr (NM_001278606.2, NM_001278608.2); c.559G>A, p.Ala187Thr (NM_001278607.2); c.784G>A, p.Ala262Thr (NM_001424338.1); short protein forms A298T, A262T, A159T, A173T, A187T.
Identifiers: ClinVar variation 2960899 (VCV002960899.3), dbSNP rs746897399, ClinGen allele CA9772180.